The following is an entry in ClinVar:

ClinVar aggregate classification (germline): Uncertain significance (1 of 4 stars; one submission).

Conditions:
X-linked chondrodysplasia punctata 1 (CDPX1). Also called: Chondrodysplasia punctata, X-linked recessive; CHONDRODYSPLASIA PUNCTATA, BRACHYTELEPHALANGIC. Identifiers: Orphanet 79345, MedGen C3669395, MONDO:0010555, OMIM 302950.

Submission:

Juno Genomics, Hangzhou Juno Genomics, Inc
Classification: Uncertain significance for X-linked chondrodysplasia punctata 1. Review status: criteria provided, single submitter. Criteria: ACMG Guidelines, 2015. Collection method: clinical testing. Allele origin: germline.
Comment: Absent from controls (or at extremely low frequency if recessive) in Genome Aggregation Database.;Missense variant in a gene that has a low rate of benign missense variation.

NM_000047.3(ARSL):c.1432C>T (p.His478Tyr)

Gene: ARSL (arylsulfatase L; minus strand). Cytogenetic location: Xp22.33.
Variant type: single nucleotide variant.
Coding change: c.1432C>T on transcript NM_000047.3 (MANE Select); coding-DNA position 1432, C replaced by T.
Protein change: p.His478Tyr; replaces histidine 478 with tyrosine.
Molecular consequence: missense variant.
Genome position (GRCh38, 1-based): chrX:2,935,170, G>A on the plus strand (C>T on the coding strand, the complement: ARSL is on the minus strand). VCF-style: chrX-2935170-G-A. GRCh37 (hg19) VCF-style: chrX-2853211-G-A.
Other names: c.1507C>T, p.His503Tyr (NM_001282628.2, NM_001369080.1); c.1270C>T, p.His424Tyr (NM_001282631.2, NM_001440750.1); c.1459C>T, p.His487Tyr (NM_001369079.1); c.1432C>T, p.His478Tyr (NM_001440751.1); short protein forms H424Y, H478Y, H487Y, H503Y.
Identifiers: ClinVar variation 5019809 (VCV005019809.2).